The following is an entry in ClinVar:

NM_201253.3(CRB1):c.2092T>C (p.Cys698Arg)

Gene: CRB1 (crumbs cell polarity complex component 1; plus strand). Cytogenetic location: 1q31.3.
Variant type: single nucleotide variant.
Coding change: c.2092T>C on transcript NM_201253.3 (MANE Select); coding-DNA position 2092, T replaced by C.
Protein change: p.Cys698Arg; replaces cysteine 698 with arginine.
Molecular consequence: missense variant. On other transcripts: non-coding transcript variant (2).
Genome position (GRCh38, 1-based): chr1:197,421,920, T>C. VCF-style: chr1-197421920-T-C. GRCh37 (hg19) VCF-style: chr1-197391050-T-C.
Other names: c.1756T>C, p.Cys586Arg (NM_001193640.2); c.1885T>C, p.Cys629Arg (NM_001257965.2); c.2092T>C, p.Cys698Arg (NM_001257966.2); short protein forms C629R, C586R, C698R.
Identifiers: ClinVar variation 866912 (VCV000866912.3), dbSNP rs1185924666, ClinGen allele CA344034147.

ClinVar aggregate classification (germline): Uncertain significance. Review status: criteria provided, multiple submitters, no conflicts (2 of 4 stars). 2 submissions from 2 submitters: Uncertain significance (2). Last evaluated 2025-07-02.

Conditions:
Retinitis pigmentosa 12 (RP12). Also called: RP WITH OR WITHOUT PPRPE; RP WITH OR WITHOUT PRESERVED PARAARTERIOLE RETINAL PIGMENT EPITHELIUM; RETINITIS PIGMENTOSA WITH OR WITHOUT PARAARTERIOLAR PRESERVATION OF RETINAL PIGMENT EPITHELIUM. Identifiers: Orphanet 791, MedGen C1838647, MONDO:0010818, OMIM 600105.
Leber congenital amaurosis 8 (LCA8). Identifiers: Orphanet 65, MedGen C3151202, MONDO:0013453, OMIM 613835.

Allele frequency attached by ClinVar (database versions not stated): gnomAD exomes 0.00001.
gnomAD v4.1: 10 of 1,614,200 alleles (0.00062%); highest among the groups gnomAD compares: Non-Finnish European, 0.00085%; no homozygotes.

Submissions (2):

Labcorp Genetics (formerly Invitae), Labcorp
Classification: Uncertain significance for Leber congenital amaurosis 8; Retinitis pigmentosa 12. Last evaluated: 2025-07-02. Review status: criteria provided, single submitter. Criteria: Invitae Variant Classification Sherloc (09022015). Collection method: clinical testing. Allele origin: germline.
Comment: This sequence change replaces cysteine, which is neutral and slightly polar, with arginine, which is basic and polar, at codon 698 of the CRB1 protein (p.Cys698Arg). This variant is not present in population databases (gnomAD no frequency). This missense change has been observed in individual(s) with clinical features of CRB1-related conditions (PMID: 32037395). ClinVar contains an entry for this variant (Variation ID: 866912). Invitae Evidence Modeling of protein sequence and biophysical properties (such as structural, functional, and spatial information, amino acid conservation, physicochemical variation, residue mobility, and thermodynamic stability) has been performed for this missense variant. However, the output from this modeling did not meet the statistical confidence thresholds required to predict the impact of this variant on CRB1 protein function. This variant disrupts the p.Cys698 amino acid residue in CRB1. Other variant(s) that disrupt this residue have been observed in individuals with CRB1-related conditions (PMID: 29053603, 32037395), which suggests that this may be a clinically significant amino acid residue. In summary, the available evidence is currently insufficient to determine the role of this variant in disease. Therefore, it has been classified as a Variant of Uncertain Significance.

Blueprint Genetics
Classification: Uncertain significance. Last evaluated: 2017-11-17. Review status: criteria provided, single submitter. Criteria: ACMG Guidelines, 2015. Collection method: clinical testing. Allele origin: germline.

Literature cited by the submitters: PubMed 32037395 (cited by Labcorp Genetics (formerly Invitae), Labcorp); PubMed 29053603 (cited by Labcorp Genetics (formerly Invitae), Labcorp).